The following is an entry in ClinVar:

NM_001194998.2(CEP152):c.4882C>G (p.Gln1628Glu)

Gene: CEP152 (centrosomal protein 152; minus strand). Cytogenetic location: 15q21.1.
Variant type: single nucleotide variant.
Coding change: c.4882C>G on transcript NM_001194998.2 (MANE Select); coding-DNA position 4882, C replaced by G.
Protein change: p.Gln1628Glu; replaces glutamine 1628 with glutamic acid.
Molecular consequence: missense variant.
Genome position (GRCh38, 1-based): chr15:48,738,500, G>C on the plus strand (C>G on the coding strand, the complement: CEP152 is on the minus strand). VCF-style: chr15-48738500-G-C. GRCh37 (hg19) VCF-style: chr15-49030697-G-C.
Other names: c.4714C>G, p.Gln1572Glu (NM_014985.4); short protein forms Q1572E, Q1628E.
Identifiers: ClinVar variation 2706222 (VCV002706222.3), dbSNP rs2505890815, ClinGen allele CA392333200.

ClinVar aggregate classification (germline): Uncertain significance (1 of 4 stars; one submission).

Submission:

Labcorp Genetics (formerly Invitae), Labcorp
Classification: Uncertain significance. Last evaluated: 2024-02-27. Review status: criteria provided, single submitter. Criteria: Invitae Variant Classification Sherloc (09022015). Collection method: clinical testing. Allele origin: germline.
Comment: This sequence change replaces glutamine, which is neutral and polar, with glutamic acid, which is acidic and polar, at codon 1572 of the CEP152 protein (p.Gln1572Glu). This variant is not present in population databases (gnomAD no frequency). This variant has not been reported in the literature in individuals affected with CEP152-related conditions. An algorithm developed to predict the effect of missense changes on protein structure and function (PolyPhen-2) suggests that this variant is likely to be tolerated. In summary, the available evidence is currently insufficient to determine the role of this variant in disease. Therefore, it has been classified as a Variant of Uncertain Significance.